The following is an entry in ClinVar:

NM_175914.5(HNF4A):c.734G>C (p.Arg245Pro)

Gene: HNF4A (hepatocyte nuclear factor 4 alpha; plus strand). Cytogenetic location: 20q13.12.
Variant type: single nucleotide variant.
Coding change: c.734G>C on transcript NM_175914.5 (MANE Select); coding-DNA position 734, G replaced by C.
Protein change: p.Arg245Pro; replaces arginine 245 with proline.
Molecular consequence: missense variant.
Genome position (GRCh38, 1-based): chr20:44,419,784, G>C. VCF-style: chr20-44419784-G-C. GRCh37 (hg19) VCF-style: chr20-43048424-G-C.
Other names: NM_175914.5:c.734G>C; c.800G>C, p.Arg267Pro (NM_000457.6, NM_178849.3, NM_178850.3); c.734G>C, p.Arg245Pro (NM_001030003.3, NM_001030004.3); c.779G>C, p.Arg260Pro (NM_001258355.2); c.725G>C, p.Arg242Pro (NM_001287182.2, NM_001287183.2, NM_001287184.2); short protein forms R242P, R245P, R260P, R267P.
Identifiers: ClinVar variation 3602122 (VCV003602122.1).

ClinVar aggregate classification (germline): Likely pathogenic (3 of 4 stars; one submission).

Conditions:
Monogenic diabetes. Identifiers: Orphanet 183625, MedGen C3888631, MONDO:0015967.

Submission:

ClinGen Monogenic Diabetes Variant Curation Expert Panel
Classification: Likely pathogenic for Monogenic diabetes. Last evaluated: 2025-01-29. Review status: reviewed by expert panel. Criteria: ClinGen Diabetes ACMG Specifications HNF4A V2.0.0. Collection method: curation. Allele origin: germline. Inheritance: Autosomal dominant inheritance.
Comment: The c.734G>C variant in the hepatocyte nuclear factor 4-alpha gene, HNF4A, causes an amino acid change of arginine to proline at codon 245 (p.(Arg245Pro)) of NM_175914.5. This variant is absent in gnomAD v2.1.1 (PM2_Supporting) and is predicted to be deleterious by computational evidence, with a REVEL score of 0.9589, which is greater than the MDEP VCEP threshold of 0.70 (PP3). This variant was identified in an individual with a clinical history highly specific for HNF4A-monogenic diabetes (MODY probability calculator result >50%, negative genetic testing for HNF1A) (PP4; internal lab contributors). This variant was identified in two unrelated individuals with non-autoimmune and non-absolute/near-absolute insulin-deficient diabetes; however, PS4_Moderate cannot be applied because this number is below the ClinGen MDEP threshold (PMID: 30730840, internal lab contributors). Two other missense variants, c.733C>T (p.Arg245Cys) and c.734G>A (p.Arg245His), have been interpreted as pathogenic by the ClinGen MDEP and p.Arg245Gly has a greater Grantham distance than p.Arg245His (PM5_Strong). In summary, c.733G>C meets the criteria to be classified as likely pathogenic for monogenic diabetes. ACMG/AMP criteria applied, as specified by the ClinGen MDEP (specification version 2.0.0, approved 10/11/2023): PM5_Strong, PP3, PP4, PM2_Supporting.